The following is an entry in ClinVar:

ClinVar aggregate classification (germline): Uncertain significance (1 of 4 stars; one submission).

Allele frequency attached by ClinVar (database versions not stated): gnomAD exomes 0.00001; ExAC 0.00017.
gnomAD v4.1: 21 of 1,510,834 alleles (0.0014%); highest among the groups gnomAD compares: East Asian, 0.051%; no homozygotes.

Submission:

Labcorp Genetics (formerly Invitae), Labcorp
Classification: Uncertain significance. Last evaluated: 2022-03-12. Review status: criteria provided, single submitter. Criteria: Invitae Variant Classification Sherloc (09022015). Collection method: clinical testing. Allele origin: germline.
Comment: This sequence change replaces arginine, which is basic and polar, with glycine, which is neutral and non-polar, at codon 53 of the TUB protein (p.Arg53Gly). This variant is present in population databases (rs374905053, gnomAD 0.08%). This variant has not been reported in the literature in individuals affected with TUB-related conditions. Algorithms developed to predict the effect of missense changes on protein structure and function (SIFT, PolyPhen-2, Align-GVGD) all suggest that this variant is likely to be tolerated. In summary, the available evidence is currently insufficient to determine the role of this variant in disease. Therefore, it has been classified as a Variant of Uncertain Significance.

NC_000011.10:g.8039646A>G

Gene: TUB (TUB bipartite transcription factor; plus strand). Cytogenetic location: 11p15.4.
Variant type: single nucleotide variant.
Molecular consequence: missense variant (on NM_003320.5). On other transcripts: intron variant (4).
Genome position: GRCh38 VCF-style: chr11-8039646-A-G. GRCh37 (hg19) VCF-style: chr11-8061193-A-G.
Other names: c.157A>G, p.Arg53Gly (NM_003320.5); c.56+20288A>G (NM_001440538.1, NM_001440539.1, NM_001440540.1 and 1 more transcripts); short protein forms R53G.
Identifiers: ClinVar variation 1916449 (VCV001916449.2), dbSNP rs374905053, ClinGen allele CA5870848.